The following is an entry in ClinVar:

NM_003743.5(NCOA1):c.2907A>T (p.Leu969Phe)

Gene: NCOA1 (nuclear receptor coactivator 1; plus strand). Cytogenetic location: 2p23.3.
Variant type: single nucleotide variant.
Coding change: c.2907A>T on transcript NM_003743.5 (MANE Select); coding-DNA position 2907, A replaced by T.
Protein change: p.Leu969Phe; replaces leucine 969 with phenylalanine.
Molecular consequence: missense variant.
Genome position (GRCh38, 1-based): chr2:24,729,521, A>T. VCF-style: chr2-24729521-A-T. GRCh37 (hg19) VCF-style: chr2-24952390-A-T.
Other names: c.2907A>T, p.Leu969Phe (NM_001362950.1, NM_001362952.1, NM_001362954.1 and 3 more transcripts); short protein forms L969F.
Identifiers: ClinVar variation 4986068 (VCV004986068.1).

ClinVar aggregate classification (germline): Uncertain significance (1 of 4 stars; one submission).

Conditions:
NCOA1-related disorder. Also called: NCOA1-related condition.

Submission:

PreventionGenetics, part of Exact Sciences
Classification: Uncertain significance for NCOA1-related condition. Last evaluated: 2024-11-15. Review status: criteria provided, single submitter. Criteria: ACMG Guidelines, 2015. Collection method: clinical testing. Allele origin: germline.
Comment: The NCOA1 c.2907A>T variant is predicted to result in the amino acid substitution p.Leu969Phe. To our knowledge, this variant has not been reported in the literature or in a large population database (gnomAD), indicating this variant is rare. At this time, the clinical significance of this variant is uncertain due to the absence of conclusive functional and genetic evidence.